The following is an entry in ClinVar:

ClinVar aggregate classification (germline): Uncertain significance (1 of 4 stars; one submission).

Submission:

Labcorp Genetics (formerly Invitae), Labcorp
Classification: Uncertain significance. Last evaluated: 2023-12-02. Review status: criteria provided, single submitter. Criteria: Invitae Variant Classification Sherloc (09022015). Collection method: clinical testing. Allele origin: germline.
Comment: This sequence change creates a premature translational stop signal (p.Lys1405*) in the ANKRD26 gene. It is expected to result in an absent or disrupted protein product. However, the current clinical and genetic evidence is not sufficient to establish whether loss-of-function variants in ANKRD26 cause disease. This variant is not present in population databases (gnomAD no frequency). This variant has not been reported in the literature in individuals affected with ANKRD26-related conditions. Algorithms developed to predict the effect of sequence changes on RNA splicing suggest that this variant may disrupt the consensus splice site. In summary, the available evidence is currently insufficient to determine the role of this variant in disease. Therefore, it has been classified as a Variant of Uncertain Significance.

NM_014915.3(ANKRD26):c.4213A>T (p.Lys1405Ter)

Gene: ANKRD26 (ankyrin repeat domain 26; minus strand). Cytogenetic location: 10p12.1.
Variant type: single nucleotide variant.
Coding change: c.4213A>T on transcript NM_014915.3 (MANE Select); coding-DNA position 4213, A replaced by T.
Protein change: p.Lys1405Ter; replaces lysine 1405 with a stop codon.
Molecular consequence: nonsense.
Genome position (GRCh38, 1-based): chr10:27,022,560, T>A on the plus strand (A>T on the coding strand, the complement: ANKRD26 is on the minus strand). VCF-style: chr10-27022560-T-A. GRCh37 (hg19) VCF-style: chr10-27311489-T-A.
Other names: c.4210A>T, p.Lys1404Ter (NM_001256053.2); short protein forms K1404*, K1405*.
Identifiers: ClinVar variation 2778964 (VCV002778964.3), dbSNP rs2538628632, ClinGen allele CA376359023.